The following is an entry in ClinVar:

NM_000360.4(TH):c.977+8C>T

Gene: TH (tyrosine hydroxylase; minus strand). Cytogenetic location: 11p15.5.
Variant type: single nucleotide variant.
Coding change: c.977+8C>T on transcript NM_000360.4 (MANE Select); 8 bases into the intron after coding-DNA position 977, C replaced by T.
Molecular consequence: intron variant.
Genome position (GRCh38, 1-based): chr11:2,166,625, G>A on the plus strand (C>T on the coding strand, the complement: TH is on the minus strand). VCF-style: chr11-2166625-G-A. GRCh37 (hg19) VCF-style: chr11-2187855-G-A.
Other names: c.1058+8C>T (NM_199293.3); c.1070+8C>T (NM_199292.3).
Identifiers: ClinVar variation 662187 (VCV000662187.27), dbSNP rs12419447, ClinGen allele CA915948013.

ClinVar aggregate classification (germline): Conflicting classifications of pathogenicity. Review status: criteria provided, conflicting classifications (1 of 4 stars). 2 submissions from 2 submitters: Uncertain significance (1); Likely benign (1). Last evaluated 2024-04-01.

Conditions:
TH-deficient dopa-responsive dystonia. Also called: Tyrosine Hydroxylase-Deficient Dopa-Responsive Dystonia; Segawa syndrome, autosomal recessive; DYT-TH. Identifiers: Orphanet 101150, MedGen C2673535, MONDO:0011551, OMIM 605407.

gnomAD v4.1: 12 of 1,578,666 alleles (0.00076%); highest among the groups gnomAD compares: Non-Finnish European, 0.001%; no homozygotes.

Submissions (2):

CeGaT Center for Human Genetics Tuebingen
Classification: Uncertain significance. Last evaluated: 2024-04-01. Review status: criteria provided, single submitter. Criteria: CeGaT Center For Human Genetics Tuebingen Variant Classification Criteria Version 2. Collection method: clinical testing. Allele origin: germline. Affected: yes. Observed: 1 variant allele.
Comment: TH: PM2, BP4

Labcorp Genetics (formerly Invitae), Labcorp
Classification: Likely benign for TH-deficient dopa-responsive dystonia. Last evaluated: 2023-10-09. Review status: criteria provided, single submitter. Criteria: Invitae Variant Classification Sherloc (09022015). Collection method: clinical testing. Allele origin: germline.